The following is an entry in ClinVar:

ClinVar aggregate classification (germline): Uncertain significance. Review status: criteria provided, multiple submitters, no conflicts (2 of 4 stars). 3 submissions from 3 submitters: Uncertain significance (3). Last evaluated 2025-11-26.

Conditions:
Familial hemophagocytic lymphohistiocytosis 3 (FHL3). Also called: UNC13D-Related Familial Hemophagocytic Lymphohistiocytosis (UNC13D-fHLH). Identifiers: Orphanet 540, MedGen C1837174, MONDO:0012146, OMIM 608898.
Inborn genetic diseases. Identifiers: MedGen C0950123, MeSH D030342.

Allele frequency attached by ClinVar (database versions not stated): gnomAD 0.00001 and 0.00002; TOPMed 0.00001; gnomAD exomes 0.00004 and 0.00007; ExAC 0.00007.
gnomAD v4.1: 60 of 1,592,618 alleles (0.0038%); highest among the groups gnomAD compares: South Asian, 0.052%; no homozygotes.

Submissions (3):

Ambry Genetics
Classification: Uncertain significance for Inborn genetic diseases. Last evaluated: 2025-11-26. Review status: criteria provided, single submitter. Criteria: Ambry Variant Classification Scheme 2023. Collection method: clinical testing. Allele origin: germline.

Labcorp Genetics (formerly Invitae), Labcorp
Classification: Uncertain significance for Familial hemophagocytic lymphohistiocytosis 3. Last evaluated: 2024-12-16. Review status: criteria provided, single submitter. Criteria: Invitae Variant Classification Sherloc (09022015). Collection method: clinical testing. Allele origin: germline.
Comment: This sequence change replaces arginine, which is basic and polar, with tryptophan, which is neutral and slightly polar, at codon 1074 of the UNC13D protein (p.Arg1074Trp). This variant is present in population databases (rs749580256, gnomAD 0.04%). This variant has not been reported in the literature in individuals affected with UNC13D-related conditions. ClinVar contains an entry for this variant (Variation ID: 967056). Invitae Evidence Modeling of protein sequence and biophysical properties (such as structural, functional, and spatial information, amino acid conservation, physicochemical variation, residue mobility, and thermodynamic stability) indicates that this missense variant is not expected to disrupt UNC13D protein function with a negative predictive value of 80%. In summary, the available evidence is currently insufficient to determine the role of this variant in disease. Therefore, it has been classified as a Variant of Uncertain Significance.

Revvity Omics, Revvity
Classification: Uncertain significance for Familial hemophagocytic lymphohistiocytosis 3. Last evaluated: 2022-10-26. Review status: criteria provided, single submitter. Criteria: ACMG Guidelines, 2015. Collection method: clinical testing. Allele origin: germline.

NM_199242.3(UNC13D):c.3220C>T (p.Arg1074Trp)

Gene: UNC13D (unc-13 homolog D; minus strand). Cytogenetic location: 17q25.1.
Variant type: single nucleotide variant.
Coding change: c.3220C>T on transcript NM_199242.3 (MANE Select); coding-DNA position 3220, C replaced by T.
Protein change: p.Arg1074Trp; replaces arginine 1074 with tryptophan.
Molecular consequence: missense variant.
Genome position (GRCh38, 1-based): chr17:75,828,018, G>A on the plus strand (C>T on the coding strand, the complement: UNC13D is on the minus strand). VCF-style: chr17-75828018-G-A. GRCh37 (hg19) VCF-style: chr17-73824099-G-A.
Other names: short protein forms R1074W.
Identifiers: ClinVar variation 967056 (VCV000967056.11), dbSNP rs749580256, ClinGen allele CA8772225.